The following is an entry in ClinVar:

ClinVar aggregate classification (germline): Pathogenic (1 of 4 stars; one submission).

Conditions:
Tay-Sachs disease (TSD). Also called: GM2 gangliosidosis, type 1; Hexosaminidase alpha-subunit deficiency (variant B); Sphingolipidosis, Tay-Sachs; Hexosaminidase A Deficiency; HEXA DEFICIENCY; HEXA Disorders. Identifiers: Orphanet 845, MedGen C0039373, MONDO:0010100, OMIM 272800.

Submission:

Labcorp Genetics (formerly Invitae), Labcorp
Classification: Pathogenic for Tay-Sachs disease. Last evaluated: 2022-06-13. Review status: criteria provided, single submitter. Criteria: Invitae Variant Classification Sherloc (09022015). Collection method: clinical testing. Allele origin: germline.
Comment: This variant is not present in population databases (gnomAD no frequency). For these reasons, this variant has been classified as Pathogenic. This variant disrupts the c.570G nucleotide in the HEXA gene. Other variant(s) that disrupt this nucleotide have been determined to be pathogenic (PMID: 33240792; Invitae). This suggests that this nucleotide is clinically significant, and that variants that disrupt this position are likely to be disease-causing. Variants that disrupt the consensus splice site are a relatively common cause of aberrant splicing (PMID: 17576681, 9536098). Studies have shown that this variant results in skipping of exon 5, but is expected to preserve the integrity of the reading-frame (PMID: 2139660). This variant has been observed in individual(s) with Tay-Sachs disease (PMID: 2139660). This sequence change affects codon 190 of the HEXA mRNA. It is a 'silent' change, meaning that it does not change the encoded amino acid sequence of the HEXA protein. RNA analysis indicates that this variant induces altered splicing and likely results in a shortened protein product.

Literature cited by the submitters: PubMed 33240792; PubMed 17576681; PubMed 9536098; PubMed 2139660.

NM_000520.6(HEXA):c.570G>A (p.Leu190=)

Gene: HEXA (hexosaminidase subunit alpha; minus strand). Cytogenetic location: 15q23.
Variant type: single nucleotide variant.
Coding change: c.570G>A on transcript NM_000520.6 (MANE Select); coding-DNA position 570, G replaced by A.
Protein change: p.Leu190=; no amino-acid change (leucine 190 retained).
Molecular consequence: synonymous variant. On other transcripts: non-coding transcript variant (1).
Genome position (GRCh38, 1-based): chr15:72,353,068, C>T on the plus strand (G>A on the coding strand, the complement: HEXA is on the minus strand). VCF-style: chr15-72353068-C-T. GRCh37 (hg19) VCF-style: chr15-72645409-C-T.
Other names: c.603G>A, p.Leu201= (NM_001318825.2).
Identifiers: ClinVar variation 2137732 (VCV002137732.4), dbSNP rs1188885214, ClinGen allele CA491129671.
Genomic context (GRCh38, chr15:72,353,068, plus strand): 5'-GTCCGTTGCTCCATCACCCTAGAACTCTTAAGTGTGAAGAAGGCCTTAAGGCCTGGTTAC[C>T]AGAGTGTCCAGGATGCTAGAGAGTGGCAGGTAATGGCGAGATGTATCCAACAGCAAGCCC-3'
Protein context (NP_000511.2, residues 180-200): YLPLSSILDT[Leu190=]DVMAYNKLNV